The following is an entry in ClinVar:

NM_002893.4(RBBP7):c.17-341A>C

Gene: RBBP7 (RB binding protein 7, chromatin remodeling factor; minus strand). Cytogenetic location: Xp22.2.
Variant type: single nucleotide variant.
Coding change: c.17-341A>C on transcript NM_002893.4 (MANE Select); 341 bases into the intron before coding-DNA position 17, A replaced by C.
Molecular consequence: intron variant. On other transcripts: synonymous variant (1).
Genome position (GRCh38, 1-based): chrX:16,869,561, T>G on the plus strand (A>C on the coding strand, the complement: RBBP7 is on the minus strand). VCF-style: chrX-16869561-T-G. GRCh37 (hg19) VCF-style: chrX-16887684-T-G.
Other names: c.81A>C, p.Leu27= (NM_001198719.2).
Identifiers: ClinVar variation 2660072 (VCV002660072.24), dbSNP rs924619509, ClinGen allele CA515579583.

ClinVar aggregate classification (germline): Likely benign (1 of 4 stars; one submission).

gnomAD v4.1: 39 of 1,164,727 alleles (0.0033%); highest among the groups gnomAD compares: Middle Eastern, 0.14%; no homozygotes.

Submission:

CeGaT Center for Human Genetics Tuebingen
Classification: Likely benign. Last evaluated: 2022-06-01. Review status: criteria provided, single submitter. Criteria: CeGaT Center For Human Genetics Tuebingen Variant Classification Criteria Version 2. Collection method: clinical testing. Allele origin: germline. Affected: yes. Observed: 1 variant allele.
Comment: RBBP7: BP4, BP7